The following is an entry in ClinVar:

NM_002471.4(MYH6):c.3973G>C (p.Gly1325Arg)

Gene: MYH6 (myosin heavy chain 6; minus strand). Cytogenetic location: 14q11.2.
Variant type: single nucleotide variant.
Coding change: c.3973G>C on transcript NM_002471.4 (MANE Select); coding-DNA position 3973, G replaced by C.
Protein change: p.Gly1325Arg; replaces glycine 1325 with arginine.
Molecular consequence: missense variant.
Genome position (GRCh38, 1-based): chr14:23,389,398, C>G on the plus strand (G>C on the coding strand, the complement: MYH6 is on the minus strand). VCF-style: chr14-23389398-C-G. GRCh37 (hg19) VCF-style: chr14-23858607-C-G.
Other names: short protein forms G1325R.
Identifiers: ClinVar variation 4614614 (VCV004614614.1).

ClinVar aggregate classification (germline): Uncertain significance (1 of 4 stars; one submission).

Conditions:
Cardiovascular phenotype. Identifiers: MedGen CN230736.

Submission:

Ambry Genetics
Classification: Uncertain significance for Cardiovascular phenotype. Last evaluated: 2025-10-27. Review status: criteria provided, single submitter. Criteria: Ambry Variant Classification Scheme 2023. Collection method: clinical testing. Allele origin: germline.
Comment: The p.G1325R variant (also known as c.3973G>C), located in coding exon 26 of the MYH6 gene, results from a G to C substitution at nucleotide position 3973. The glycine at codon 1325 is replaced by arginine, an amino acid with dissimilar properties. This amino acid position is conserved. In addition, this alteration is predicted to be tolerated by in silico analysis. Based on the available evidence, the clinical significance of this variant remains unclear.